The following is an entry in ClinVar:

ClinVar aggregate classification (germline): Conflicting classifications of pathogenicity. Review status: criteria provided, conflicting classifications (1 of 4 stars). 3 submissions from 3 submitters: Uncertain significance (2); Likely benign (1). Last evaluated 2026-06-01.

Conditions:
Hereditary cancer-predisposing syndrome. Also called: Tumor predisposition; Neoplastic Syndromes, Hereditary; Hereditary Cancer Syndrome; Hereditary neoplastic syndrome. Identifiers: Orphanet 140162, MedGen C0027672, MeSH D009386, MONDO:0015356.
Hereditary breast ovarian cancer syndrome. Also called: Hereditary breast and ovarian cancer; Breast and ovarian cancer; Hereditary breast and/or ovarian cancer syndrome; Hereditary breast and ovarian cancer syndrome; Hereditary breast and ovarian cancer syndrome (HBOC); BRCA1- and BRCA2-Associated Hereditary Breast and Ovarian Cancer. Identifiers: Orphanet 145, MedGen C0677776, MeSH D061325, MONDO:0003582. Disease mechanism: loss of function.

Submissions (3):

Ambry Genetics
Classification: Uncertain significance for Hereditary cancer-predisposing syndrome. Last evaluated: 2026-06-01. Review status: criteria provided, single submitter. Criteria: Ambry Variant Classification Scheme 2023. Collection method: clinical testing. Allele origin: germline.
Comment: The p.V447A variant (also known as c.1340T>C), located in coding exon 9 of the BRCA1 gene, results from a T to C substitution at nucleotide position 1340. The valine at codon 447 is replaced by alanine, an amino acid with similar properties. This amino acid position is not well conserved in available vertebrate species. In addition, the in silico prediction for this alteration is inconclusive. Based on the available evidence, the clinical significance of this variant remains unclear.

University of Washington Department of Laboratory Medicine, University of Washington
Classification: Likely benign for Hereditary cancer-predisposing syndrome. Last evaluated: 2023-03-23. Review status: criteria provided, single submitter. Criteria: Dines et al. (Genet Med. 2020). Collection method: curation. Allele origin: germline.
Comment: Missense variant in a coldspot region where missense variants are very unlikely to be pathogenic (PMID:31911673).

BRCA1 coldspot (exon 11 using historical exon numbering). Reclassification based on statistical prior probability

Labcorp Genetics (formerly Invitae), Labcorp
Classification: Uncertain significance for Hereditary breast ovarian cancer syndrome. Last evaluated: 2021-12-29. Review status: criteria provided, single submitter. Criteria: Invitae Variant Classification Sherloc (09022015). Collection method: clinical testing. Allele origin: germline.
Comment: This variant is not present in population databases (gnomAD no frequency). In summary, the available evidence is currently insufficient to determine the role of this variant in disease. Therefore, it has been classified as a Variant of Uncertain Significance. Advanced modeling of protein sequence and biophysical properties (such as structural, functional, and spatial information, amino acid conservation, physicochemical variation, residue mobility, and thermodynamic stability) performed at Invitae indicates that this missense variant is not expected to disrupt BRCA1 protein function. This missense change has been observed in individual(s) with breast cancer (PMID: 30287823). This sequence change replaces valine, which is neutral and non-polar, with alanine, which is neutral and non-polar, at codon 447 of the BRCA1 protein (p.Val447Ala).

Literature cited by the submitters: PubMed 30287823 (cited by Labcorp Genetics (formerly Invitae), Labcorp).

NM_007294.4(BRCA1):c.1340T>C (p.Val447Ala)

Gene: BRCA1 (BRCA1 DNA repair associated; minus strand). Cytogenetic location: 17q21.31.
Variant type: single nucleotide variant.
Coding change: c.1340T>C on transcript NM_007294.4 (MANE Select); coding-DNA position 1340, T replaced by C.
Protein change: p.Val447Ala; replaces valine 447 with alanine.
Molecular consequence: missense variant. On other transcripts: intron variant (137).
Genome position (GRCh38, 1-based): chr17:43,094,191, A>G on the plus strand (T>C on the coding strand, the complement: BRCA1 is on the minus strand). VCF-style: chr17-43094191-A-G. GRCh37 (hg19) VCF-style: chr17-41246208-A-G.
Other names: c.1262T>C, p.Val421Ala (NM_001407663.1, NM_001407653.1, NM_001407654.1 and 4 more transcripts); c.1217T>C, p.Val406Ala (NM_001407664.1, NM_001407665.1, NM_001407666.1 and 19 more transcripts); c.1340T>C, p.Val447Ala (NM_001407684.1, NM_001407854.1, NM_001407858.1 and 30 more transcripts); c.1214T>C, p.Val405Ala (NM_001407685.1, NM_001407686.1, NM_001407687.1 and 11 more transcripts); c.1199T>C, p.Val400Ala (NM_001407724.1, NM_001407725.1, NM_001407726.1 and 29 more transcripts); c.1196T>C, p.Val399Ala (NM_001407743.1, NM_001407744.1, NM_001407745.1 and 20 more transcripts); c.1127T>C, p.Val376Ala (NM_001407853.1, NM_001407894.1, NM_001407895.1 and 9 more transcripts); c.1337T>C, p.Val446Ala (NM_001407860.1, NM_001407587.1, NM_001407610.1 and 22 more transcripts); and 40 more; short protein forms V400A, V447A, V359A, V379A, V380A, V399A, V420A, V279A.
Identifiers: ClinVar variation 1410408 (VCV001410408.12), dbSNP rs2154457435, ClinGen allele CA10599369.